The following is an entry in ClinVar:

NM_002471.4(MYH6):c.5796G>A (p.Lys1932=)

Gene: MYH6 (myosin heavy chain 6; minus strand). Cytogenetic location: 14q11.2.
Variant type: single nucleotide variant.
Coding change: c.5796G>A on transcript NM_002471.4 (MANE Select); coding-DNA position 5796, G replaced by A.
Protein change: p.Lys1932=; no amino-acid change (lysine 1932 retained).
Molecular consequence: synonymous variant.
Genome position (GRCh38, 1-based): chr14:23,382,428, C>T on the plus strand (G>A on the coding strand, the complement: MYH6 is on the minus strand). VCF-style: chr14-23382428-C-T. GRCh37 (hg19) VCF-style: chr14-23851637-C-T.
Identifiers: ClinVar variation 180429 (VCV000180429.5), dbSNP rs730880153, ClinGen allele CA346498.
Genomic context (GRCh38, chr14:23,382,428, plus strand): 5'-CCCATATCAGGGGGCATGCTAATGTGGAAGTGACTAGTGAAGCCCAGGGGAGGGACCCAC[C>T]TTGGCACCAATGTCACGGCTCTTGGCTCGAAGCTTGTTGACCTGGGACTCAGCGATGTCC-3'
Protein context (NP_002462.2, residues 1922-1939): LRAKSRDIGA[Lys1932=]QKMHDEE

ClinVar aggregate classification (germline): Uncertain significance (1 of 4 stars; one submission).

Conditions:
Hypertrophic cardiomyopathy 14. Identifiers: MedGen C2750467, MONDO:0013197, OMIM 613251.

Allele frequency attached by ClinVar (database versions not stated): gnomAD exomes 0.00001; ExAC 0.00002.
gnomAD v4.1: 12 of 1,614,122 alleles (0.00074%); highest among the groups gnomAD compares: Non-Finnish European, 0.001%; no homozygotes.

Submission:

Labcorp Genetics (formerly Invitae), Labcorp
Classification: Uncertain significance for Hypertrophic cardiomyopathy 14. Last evaluated: 2023-10-26. Review status: criteria provided, single submitter. Criteria: Invitae Variant Classification Sherloc (09022015). Collection method: clinical testing. Allele origin: germline.
Comment: This sequence change affects codon 1932 of the MYH6 mRNA. It is a 'silent' change, meaning that it does not change the encoded amino acid sequence of the MYH6 protein. This variant also falls at the last nucleotide of exon 38, which is part of the consensus splice site for this exon. This variant is present in population databases (rs730880153, gnomAD 0.002%). This variant has not been reported in the literature in individuals affected with MYH6-related conditions. ClinVar contains an entry for this variant (Variation ID: 180429). Variants that disrupt the consensus splice site are a relatively common cause of aberrant splicing (PMID: 17576681, 9536098). Algorithms developed to predict the effect of sequence changes on RNA splicing suggest that this variant is not likely to affect RNA splicing. In summary, the available evidence is currently insufficient to determine the role of this variant in disease. Therefore, it has been classified as a Variant of Uncertain Significance.

Literature cited by the submitters: PubMed 17576681; PubMed 9536098.